The following is an entry in ClinVar:

ClinVar aggregate classification (germline): Uncertain significance (1 of 4 stars; one submission).

gnomAD v4.1: 20 of 1,614,060 alleles (0.0012%); highest among the groups gnomAD compares: Non-Finnish European, 0.0017%; no homozygotes.

Submission:

GeneDx
Classification: Uncertain significance. Last evaluated: 2024-09-18. Review status: criteria provided, single submitter. Criteria: GeneDx Variant Classification Process June 2021. Collection method: clinical testing. Allele origin: germline. Affected: yes.
Comment: Reported previously as a paternally inherited heterozygous variant with a second variant on the opposite allele in a patient with early onset dystonia and Parkinsonism after a febrile infection (Kolbel H et al. 2017. Eur J Paediatric Neuro. 21:e177 (17)31256-4/abstract); Not observed at significant frequency in large population cohorts (gnomAD); In silico analysis supports that this missense variant has a deleterious effect on protein structure/function; This variant is associated with the following publications: (PMID: Kolbel2017[abstract])

NM_003690.5(PRKRA):c.266A>G (p.His89Arg)

Gene: PRKRA (protein activator of interferon induced protein kinase EIF2AK2; minus strand). Cytogenetic location: 2q31.2.
Variant type: single nucleotide variant.
Coding change: c.266A>G on transcript NM_003690.5 (MANE Select); coding-DNA position 266, A replaced by G.
Protein change: p.His89Arg; replaces histidine 89 with arginine.
Molecular consequence: missense variant. On other transcripts: 5 prime UTR variant (1).
Genome position (GRCh38, 1-based): chr2:178,447,556, T>C on the plus strand (A>G on the coding strand, the complement: PRKRA is on the minus strand). VCF-style: chr2-178447556-T-C. GRCh37 (hg19) VCF-style: chr2-179312283-T-C.
Other names: c.233A>G, p.His78Arg (NM_001139517.2); c.191A>G, p.His64Arg (NM_001139518.2); c.-184A>G (NM_001316362.2); short protein forms H64R, H78R, H89R.
Identifiers: ClinVar variation 3774058 (VCV003774058.1).
Genomic context (GRCh38, chr2:178,447,556, plus strand): 5'-TTAGCTCACCAAATACTTGCATTGGCTTTCAAAATGTTTATGGCAGCCTCTGCAGCTCTA[T>C]GTTTCGCCAGCTTCTTACTTGTACCTTCACCTGAATTAAGATTTAAAAAAAGAAGTCTTT-3'
Protein context (NP_003681.1, residues 79-99): GEGTSKKLAK[His89Arg]RAAEAAINIL